The following is an entry in ClinVar:

NM_001008537.3(NEXMIF):c.3035A>G (p.Lys1012Arg)

Gene: NEXMIF (neurite extension and migration factor; minus strand). Cytogenetic location: Xq13.3.
Variant type: single nucleotide variant.
Coding change: c.3035A>G on transcript NM_001008537.3 (MANE Select); coding-DNA position 3035, A replaced by G.
Protein change: p.Lys1012Arg; replaces lysine 1012 with arginine.
Molecular consequence: missense variant.
Genome position (GRCh38, 1-based): chrX:74,741,522, T>C on the plus strand (A>G on the coding strand, the complement: NEXMIF is on the minus strand). VCF-style: chrX-74741522-T-C. GRCh37 (hg19) VCF-style: chrX-73961357-T-C.
Other names: short protein forms K1012R.
Identifiers: ClinVar variation 1361474 (VCV001361474.8), dbSNP rs886086959, ClinGen allele CA331301740.

ClinVar aggregate classification (germline): Uncertain significance (1 of 4 stars; one submission).

Allele frequency attached by ClinVar (database versions not stated): gnomAD exomes below 0.00001 and 0.00001; gnomAD 0.00001 and 0.00003; TOPMed 0.00001.
gnomAD v4.1: 6 of 1,209,850 alleles (0.0005%); highest among the groups gnomAD compares: Non-Finnish European, 0.00056%; no homozygotes.

Submission:

Labcorp Genetics (formerly Invitae), Labcorp
Classification: Uncertain significance. Last evaluated: 2025-10-01. Review status: criteria provided, single submitter. Criteria: Invitae Variant Classification Sherloc (09022015). Collection method: clinical testing. Allele origin: germline.
Comment: This sequence change replaces lysine, which is basic and polar, with arginine, which is basic and polar, at codon 1012 of the NEXMIF protein (p.Lys1012Arg). This variant is present in population databases (no rsID available, gnomAD 0.001%). This variant has not been reported in the literature in individuals affected with NEXMIF-related conditions. ClinVar contains an entry for this variant (Variation ID: 1361474). An algorithm developed to predict the effect of missense changes on protein structure and function (PolyPhen-2) suggests that this variant is likely to be tolerated. In summary, the available evidence is currently insufficient to determine the role of this variant in disease. Therefore, it has been classified as a Variant of Uncertain Significance.